The following is an entry in ClinVar:

NM_182961.4(SYNE1):c.21782G>A (p.Arg7261Gln)

Gene: SYNE1 (spectrin repeat containing nuclear envelope protein 1; minus strand). Cytogenetic location: 6q25.2.
Variant type: single nucleotide variant.
Coding change: c.21782G>A on transcript NM_182961.4 (MANE Select); coding-DNA position 21782, G replaced by A.
Protein change: p.Arg7261Gln; replaces arginine 7261 with glutamine.
Molecular consequence: missense variant.
Genome position (GRCh38, 1-based): chr6:152,220,921, C>T on the plus strand (G>A on the coding strand, the complement: SYNE1 is on the minus strand). VCF-style: chr6-152220921-C-T. GRCh37 (hg19) VCF-style: chr6-152542056-C-T.
Other names: c.21569G>A, p.Arg7190Gln (NM_033071.5); short protein forms R7190Q, R7261Q.
Identifiers: ClinVar variation 432582 (VCV000432582.63), dbSNP rs61742716, ClinGen allele CA4054063.

ClinVar aggregate classification (germline): Uncertain significance. Review status: criteria provided, multiple submitters, no conflicts (2 of 4 stars). 8 submissions from 8 submitters: Uncertain significance (8). Last evaluated 2026-01-26.

Conditions:
Inborn genetic diseases. Identifiers: MedGen C0950123, MeSH D030342.
Emery-Dreifuss muscular dystrophy 4, autosomal dominant (EDMD4). Also called: EMERY-DREIFUSS MUSCULAR DYSTROPHY 4 WITH VARIABLE FEATURES. Identifiers: Orphanet 261, MedGen C2751807, MONDO:0013071, OMIM 612998.
Autosomal recessive ataxia, Beauce type. Also called: SYNE1 Deficiency; Spinocerebellar ataxia, autosomal recessive 8; SYNE1-Related Autosomal Recessive Cerebellar Ataxia; ATAXIA, RECESSIVE, OF BEAUCE. Identifiers: Orphanet 88644, MedGen C1853116, MONDO:0012549, OMIM 610743.

Allele frequency attached by ClinVar (database versions not stated): ExAC 0.00007; 1000 Genomes Project 30x 0.00016; 1000 Genomes Project 0.00020; gnomAD 0.00026 and 0.00030; TOPMed 0.00044; ESP Exome Variant Server 0.00069.
gnomAD v4.1: 91 of 1,614,110 alleles (0.0056%); highest among the groups gnomAD compares: African/African-American, 0.083%; no homozygotes.

Submissions (8):

Labcorp Genetics (formerly Invitae), Labcorp
Classification: Uncertain significance for Emery-Dreifuss muscular dystrophy 4, autosomal dominant; Autosomal recessive ataxia, Beauce type. Last evaluated: 2026-01-26. Review status: criteria provided, single submitter. Criteria: Invitae Variant Classification Sherloc (09022015). Collection method: clinical testing. Allele origin: germline.
Comment: This sequence change replaces arginine, which is basic and polar, with glutamine, which is neutral and polar, at codon 7190 of the SYNE1 protein (p.Arg7190Gln). This variant is present in population databases (rs61742716, gnomAD 0.08%). This variant has not been reported in the literature in individuals affected with SYNE1-related conditions. ClinVar contains an entry for this variant (Variation ID: 432582). An algorithm developed to predict the effect of missense changes on protein structure and function outputs the following: PolyPhen-2: "Benign". The glutamine amino acid residue is found in multiple mammalian species, which suggests that this missense change does not adversely affect protein function. In summary, the available evidence is currently insufficient to determine the role of this variant in disease. Therefore, it has been classified as a Variant of Uncertain Significance.

Women's Health and Genetics/Laboratory Corporation of America, LabCorp
Classification: Uncertain significance. Last evaluated: 2025-04-07. Review status: criteria provided, single submitter. Criteria: LabCorp Variant Classification Summary - May 2015. Collection method: clinical testing. Allele origin: germline.
Comment: Variant summary: SYNE1 c.21569G>A (p.Arg7190Gln) results in a conservative amino acid change in the encoded protein sequence. Five of five in-silico tools predict a benign effect of the variant on protein function. The variant allele was found at a frequency of 9.5e-05 in 251332 control chromosomes. This frequency is not significantly higher than estimated for a pathogenic variant in SYNE1 causing SYNE1-Related Disorders, allowing no conclusion about variant significance. To our knowledge, no occurrence of c.21569G>A in individuals affected with SYNE1-Related Disorders and no experimental evidence demonstrating its impact on protein function have been reported. ClinVar contains an entry for this variant (Variation ID: 432582). Based on the evidence outlined above, the variant was classified as uncertain significance.

Revvity Omics, Revvity
Classification: Uncertain significance. Last evaluated: 2024-09-09. Review status: criteria provided, single submitter. Criteria: ACMG Guidelines, 2015. Collection method: clinical testing. Allele origin: germline.

Athena Diagnostics
Classification: Uncertain significance. Last evaluated: 2024-05-17. Review status: criteria provided, single submitter. Criteria: Athena Diagnostics Criteria. Collection method: clinical testing. Allele origin: unknown.
Comment: Available data are insufficient to determine the clinical significance of the variant at this time. The frequency of this variant in the general population is higher than would generally be expected for pathogenic variants in this gene. Polyphen and MutationTaster predict this amino acid change may be benign.

GeneDx
Classification: Uncertain significance. Last evaluated: 2024-05-08. Review status: criteria provided, single submitter. Criteria: GeneDx Variant Classification Process June 2021. Collection method: clinical testing. Allele origin: germline. Affected: yes.
Comment: In silico analysis indicates that this missense variant does not alter protein structure/function; Has not been previously published as pathogenic or benign to our knowledge

Pittsburgh Clinical Genomics Laboratory, University of Pittsburgh Medical Center
Classification: Uncertain significance for Emery-Dreifuss muscular dystrophy 4, autosomal dominant. Last evaluated: 2023-07-28. Review status: criteria provided, single submitter. Criteria: ACMG Guidelines, 2015. Collection method: clinical testing. Allele origin: germline. Inheritance: Autosomal unknown. Affected: yes.
Comment: This sequence variant is a single nucleotide substitution (G>A) at position 21569 of the coding sequence of the SYNE1 gene that results in an arginine to glutamine amino acid change at residue 7190 of the SYNE1 protein. This variant falls in spectrin repeat 62 of the SYNE1 protein. This is a previously reported variant (ClinVar 432582) that has not been observed in the literature in individuals with SYNE1-related disease, to our knowledge. This variant is present in 31 of 282738 alleles (0.0110%) in the gnomAD population dataset. Multiple bioinformatic tools predict that this arginine to glutamine amino acid change would be neutral, and the Arg7190 residue at this position is poorly conserved across the vertebrate species examined. Studies examining the functiol consequence of this variant have not been performed, to our knowledge. At this time, there is insufficient evidence to determine if this variant is pathogenic or benign. Therefore, we consider this a variant of uncertain significance. ACMG Criteria: BP1, BP4, PM2

Ambry Genetics
Classification: Uncertain significance for Inborn genetic diseases. Last evaluated: 2021-09-27. Review status: criteria provided, single submitter. Criteria: Ambry Variant Classification Scheme 2023. Collection method: clinical testing. Allele origin: germline.

Eurofins Ntd Llc (ga)
Classification: Uncertain significance. Last evaluated: 2016-10-04. Review status: criteria provided, single submitter. Criteria: EGL Classification Definitions 2015. Collection method: clinical testing. Allele origin: germline. Observed: 1 variant allele, 1 heterozygote.